The following is an entry in ClinVar:

NM_000069.3(CACNA1S):c.3953+7G>A

Gene: CACNA1S (calcium voltage-gated channel subunit alpha1 S; minus strand). Cytogenetic location: 1q32.1.
Variant type: single nucleotide variant.
Coding change: c.3953+7G>A on transcript NM_000069.3 (MANE Select); 7 bases into the intron after coding-DNA position 3953, G replaced by A.
Molecular consequence: intron variant.
Genome position (GRCh38, 1-based): chr1:201,052,550, C>T on the plus strand (G>A on the coding strand, the complement: CACNA1S is on the minus strand). VCF-style: chr1-201052550-C-T. GRCh37 (hg19) VCF-style: chr1-201021678-C-T.
Other names: p.?.
Identifiers: ClinVar variation 254835 (VCV000254835.40), dbSNP rs141071505, ClinGen allele CA082987.

ClinVar aggregate classification (germline): Benign/Likely benign. Review status: criteria provided, multiple submitters, no conflicts (2 of 4 stars). 12 submissions from 9 submitters: Benign (6); Likely benign (6). Last evaluated 2026-02-03.

Conditions:
Congenital myopathy 18. Also called: DIHYDROPYRIDINE RECEPTOR CONGENITAL MYOPATHY; DHPR CONGENITAL MYOPATHY; Myopathy, congenital, due to dihydropyridine receptor defect. Identifiers: MedGen C5830283, MONDO:0859514, OMIM 620246.
Malignant hyperthermia, susceptibility to, 5 (MHS5). Also called: CACNA1S-Related Malignant Hyperthermia Susceptibility. Identifiers: Orphanet 423, MedGen C1866077, MONDO:0011163, OMIM 601887.
Hypokalemic periodic paralysis, type 1. Also called: Hypokalemic Periodic Paralysis Type 1 (AD); HypoPP. Identifiers: Orphanet 681, MedGen C3714580, MONDO:0042979, OMIM 170400.
Thyrotoxic periodic paralysis, susceptibility to, 1 (TTPP1). Identifiers: Orphanet 79102, MedGen C2749982, MONDO:0008570, OMIM 188580.

Allele frequency attached by ClinVar (database versions not stated): gnomAD exomes 0.00039 and 0.00097; ExAC 0.00116; ESP Exome Variant Server 0.00323; gnomAD 0.00382 and 0.00409; TOPMed 0.00411; 1000 Genomes Project 30x 0.00453; 1000 Genomes Project 0.00519.
gnomAD v4.1: 1,176 of 1,609,166 alleles (0.073%); highest among the groups gnomAD compares: African/African-American, 1.3%; 8 homozygotes.

Submissions (12):

Labcorp Genetics (formerly Invitae), Labcorp
Classification: Benign for Hypokalemic periodic paralysis, type 1; Malignant hyperthermia, susceptibility to, 5. Last evaluated: 2026-02-03. Review status: criteria provided, single submitter. Criteria: Invitae Variant Classification Sherloc (09022015). Collection method: clinical testing. Allele origin: germline.

Blueprint Genetics
Classification: Likely benign. Last evaluated: 2024-11-25. Review status: criteria provided, single submitter. Criteria: ACMG Guidelines, 2015. Collection method: clinical testing. Allele origin: germline.

CeGaT Center for Human Genetics Tuebingen
Classification: Benign. Last evaluated: 2024-04-01. Review status: criteria provided, single submitter. Criteria: CeGaT Center For Human Genetics Tuebingen Variant Classification Criteria Version 2. Collection method: clinical testing. Allele origin: germline. Affected: yes. Observed: 1 variant allele.
Comment: CACNA1S: BP4, BS1, BS2

Genome-Nilou Lab
Classification: Likely benign for Malignant hyperthermia, susceptibility to, 5. Last evaluated: 2023-04-11. Review status: criteria provided, single submitter. Criteria: ACMG Guidelines, 2015. Collection method: clinical testing. Allele origin: germline. Affected: no.

Genome-Nilou Lab
Classification: Likely benign for Thyrotoxic periodic paralysis, susceptibility to, 1. Last evaluated: 2023-04-11. Review status: criteria provided, single submitter. Criteria: ACMG Guidelines, 2015. Collection method: clinical testing. Allele origin: germline. Affected: no.

Genome-Nilou Lab
Classification: Likely benign for Congenital myopathy 18. Last evaluated: 2023-04-11. Review status: criteria provided, single submitter. Criteria: ACMG Guidelines, 2015. Collection method: clinical testing. Allele origin: germline. Affected: no.

Genome-Nilou Lab
Classification: Likely benign for Hypokalemic periodic paralysis, type 1. Last evaluated: 2023-04-11. Review status: criteria provided, single submitter. Criteria: ACMG Guidelines, 2015. Collection method: clinical testing. Allele origin: germline. Affected: no.

Mayo Clinic Laboratories, Mayo Clinic
Classification: Benign. Last evaluated: 2023-01-12. Review status: criteria provided, single submitter. Criteria: ACMG Guidelines, 2015. Collection method: clinical testing. Allele origin: germline. Observed: 2 variant alleles.
Comment: BS1, BS2, BP4, BP7

Athena Diagnostics
Classification: Benign. Last evaluated: 2018-08-24. Review status: criteria provided, single submitter. Criteria: Athena Diagnostics Criteria. Collection method: clinical testing. Allele origin: germline.

Illumina Laboratory Services, Illumina
Classification: Benign for Hypokalemic periodic paralysis, type 1. Last evaluated: 2018-01-13. Review status: criteria provided, single submitter. Criteria: ICSL Variant Classification Criteria 13 December 2019. Collection method: clinical testing. Allele origin: germline.
Comment: This variant was observed in the ICSL laboratory as part of a predisposition screen in an ostensibly healthy population. It had not been previously curated by ICSL or reported in the Human Gene Mutation Database (HGMD: prior to June 1st, 2018), and was therefore a candidate for classification through an automated scoring system. Utilizing variant allele frequency, disease prevalence and penetrance estimates, and inheritance mode, an automated score was calculated to assess if this variant is too frequent to cause the disease. Based on the score and internal cut-off values, a variant classified as benign is not then subjected to further curation. The score for this variant resulted in a classification of benign for this disease.

GeneDx
Classification: Likely benign. Last evaluated: 2017-05-19. Review status: criteria provided, single submitter. Criteria: GeneDx Variant Classification (06012015). Collection method: clinical testing. Allele origin: germline. Affected: yes.
Comment: This variant is considered likely benign or benign based on one or more of the following criteria: it is a conservative change, it occurs at a poorly conserved position in the protein, it is predicted to be benign by multiple in silico algorithms, and/or has population frequency not consistent with disease.

PreventionGenetics, part of Exact Sciences
Classification: Benign. Review status: criteria provided, single submitter. Criteria: ACMG Guidelines, 2015. Collection method: clinical testing. Allele origin: germline.